The following is an entry in ClinVar:

ClinVar aggregate classification (germline): Uncertain significance (1 of 4 stars; one submission).

Allele frequency attached by ClinVar (database versions not stated): gnomAD exomes below 0.00001.
gnomAD v4.1: 2 of 1,613,960 alleles (0.00012%); highest among the groups gnomAD compares: South Asian, 0.0022%; no homozygotes.

Submission:

GeneDx
Classification: Uncertain significance. Last evaluated: 2019-03-26. Review status: criteria provided, single submitter. Criteria: GeneDx Variant Classification Process June 2021. Collection method: clinical testing. Allele origin: germline. Affected: yes.
Comment: Not observed in large population cohorts (Lek et al., 2016); In silico analysis, which includes protein predictors and evolutionary conservation, supports that this variant does not alter protein structure/function; Has not been previously published as pathogenic or benign to our knowledge

NM_022124.6(CDH23):c.4546A>G (p.Thr1516Ala)

Gene: CDH23 (cadherin related 23; plus strand). Cytogenetic location: 10q22.1.
Variant type: single nucleotide variant.
Coding change: c.4546A>G on transcript NM_022124.6 (MANE Select); coding-DNA position 4546, A replaced by G.
Protein change: p.Thr1516Ala; replaces threonine 1516 with alanine.
Molecular consequence: missense variant.
Genome position (GRCh38, 1-based): chr10:71,740,879, A>G. VCF-style: chr10-71740879-A-G. GRCh37 (hg19) VCF-style: chr10-73500636-A-G.
Other names: short protein forms T1516A.
Identifiers: ClinVar variation 1308108 (VCV001308108.2), dbSNP rs2132846233, ClinGen allele CA377160512.